The following is an entry in ClinVar:

ClinVar aggregate classification (germline): Uncertain significance (1 of 4 stars; one submission).

Conditions:
Charcot-Marie-Tooth disease axonal type 2O. Also called: CHARCOT-MARIE-TOOTH NEUROPATHY, AXONAL, TYPE 2O; CHARCOT-MARIE-TOOTH DISEASE, AXONAL, AUTOSOMAL DOMINANT, TYPE 2O; Charcot-Marie-Tooth Neuropathy Type 2O; Charcot-Marie-Tooth disease, axonal, type 20. Identifiers: Orphanet 284232, MedGen C3280220, MONDO:0013644, OMIM 614228.

Submission:

Labcorp Genetics (formerly Invitae), Labcorp
Classification: Uncertain significance for Charcot-Marie-Tooth disease axonal type 2O. Last evaluated: 2021-04-27. Review status: criteria provided, single submitter. Criteria: Invitae Variant Classification Sherloc (09022015). Collection method: clinical testing. Allele origin: germline.
Comment: In summary, the available evidence is currently insufficient to determine the role of this variant in disease. Therefore, it has been classified as a Variant of Uncertain Significance. Nucleotide substitutions within the consensus splice site are a relatively common cause of aberrant splicing (PMID: 17576681, 9536098). Algorithms developed to predict the effect of sequence changes on RNA splicing suggest that this variant is not likely to affect RNA splicing, but this prediction has not been confirmed by published transcriptional studies. This variant has not been reported in the literature in individuals with DYNC1H1-related conditions. This variant is not present in population databases (ExAC no frequency). This sequence change falls in intron 21 of the DYNC1H1 gene. It does not directly change the encoded amino acid sequence of the DYNC1H1 protein. It affects a nucleotide within the consensus splice site of the intron.

Literature cited by the submitters: PubMed 17576681; PubMed 9536098.

NM_001376.5(DYNC1H1):c.4542+6G>T

Gene: DYNC1H1 (dynein cytoplasmic 1 heavy chain 1; plus strand). Cytogenetic location: 14q32.31.
Variant type: single nucleotide variant.
Coding change: c.4542+6G>T on transcript NM_001376.5 (MANE Select); 6 bases into the intron after coding-DNA position 4542, G replaced by T.
Molecular consequence: intron variant.
Genome position (GRCh38, 1-based): chr14:102,001,687, G>T. VCF-style: chr14-102001687-G-T. GRCh37 (hg19) VCF-style: chr14-102468024-G-T.
Identifiers: ClinVar variation 1476343 (VCV001476343.6), dbSNP rs375822798, ClinGen allele CA2573150389.